The following is an entry in ClinVar:

ClinVar aggregate classification (germline): Pathogenic (1 of 4 stars; one submission).

Conditions:
Congenital dyserythropoietic anemia, type II (CDAN2). Also called: DYSERYTHROPOIETIC ANEMIA, HEMPAS TYPE. Identifiers: Orphanet 98873, MedGen C1306589, MONDO:0009134, OMIM 224100.
Cowden syndrome 7 (CWS7). Identifiers: Orphanet 201, MedGen C4225179, MONDO:0014802, OMIM 616858.

Submission:

Labcorp Genetics (formerly Invitae), Labcorp
Classification: Pathogenic for Congenital dyserythropoietic anemia, type II; Cowden syndrome 7. Last evaluated: 2023-01-20. Review status: criteria provided, single submitter. Criteria: Invitae Variant Classification Sherloc (09022015). Collection method: clinical testing. Allele origin: germline.
Comment: This variant has not been reported in the literature in individuals affected with SEC23B-related conditions. For these reasons, this variant has been classified as Pathogenic. This variant is not present in population databases (gnomAD no frequency). This sequence change creates a premature translational stop signal (p.Gly182Glufs*14) in the SEC23B gene. It is expected to result in an absent or disrupted protein product. Loss-of-function variants in SEC23B are known to be pathogenic (PMID: 19561605, 25044164).

Literature cited by the submitters: PubMed 19561605; PubMed 25044164.

NM_006363.6(SEC23B):c.545del (p.Gly182fs)

Genes: SEC23B (SEC23 homolog B, COPII component; plus strand), LOC126862987 (MED14-independent group 3 enhancer GRCh37_chr20:18504796-18505995; plus strand). Cytogenetic location: 20p11.23.
Variant type: Deletion.
Coding change: c.545del on transcript NM_006363.6 (MANE Select); coding-DNA position 545, one base deleted (G; older notation c.545delG).
Protein change: p.Gly182fs; shifts the reading frame from glycine 182.
Molecular consequence: frameshift variant.
Genome position (GRCh38, 1-based): chr20:18,524,611, G deleted; the last of 2 consecutive G bases (chr20:18,524,610-18,524,611); deleting either gives the same sequence. VCF-style (leftmost placement, unchanged base first): chr20-18524609-AG-A. GRCh37 (hg19) VCF-style: chr20-18505253-AG-A.
Other names: c.545del, p.Gly182fs (NM_001172745.3, NM_032985.6, NM_032986.5); c.491del, p.Gly164fs (NM_001172746.3); short protein forms G164fs, G182fs.
Identifiers: ClinVar variation 2943473 (VCV002943473.3), dbSNP rs2517470846, ClinGen allele CA2740097027.